The following is an entry in ClinVar:

ClinVar aggregate classification (germline): Uncertain significance (1 of 4 stars; one submission).

Conditions:
Hereditary cancer-predisposing syndrome. Also called: Neoplastic Syndromes, Hereditary; Tumor predisposition; Hereditary neoplastic syndrome; Hereditary Cancer Syndrome. Identifiers: Orphanet 140162, MedGen C0027672, MeSH D009386, MONDO:0015356.
Cardiovascular phenotype. Identifiers: MedGen CN230736.

Submission:

Ambry Genetics
Classification: Uncertain significance for Cardiovascular phenotype; Hereditary cancer-predisposing syndrome. Last evaluated: 2023-01-11. Review status: criteria provided, single submitter. Criteria: Ambry Variant Classification Scheme 2023. Collection method: clinical testing. Allele origin: germline.
Comment: The p.R815T variant (also known as c.2444G>C), located in coding exon 21 of the NF1 gene, results from a G to C substitution at nucleotide position 2444. The arginine at codon 815 is replaced by threonine, an amino acid with similar properties. This amino acid position is conserved. In addition, the in silico prediction for this alteration is inconclusive. Since supporting evidence is limited at this time, the clinical significance of this alteration remains unclear.

NM_001042492.3(NF1):c.2444G>C (p.Arg815Thr)

Gene: NF1 (neurofibromin 1; plus strand). Cytogenetic location: 17q11.2.
Variant type: single nucleotide variant.
Coding change: c.2444G>C on transcript NM_001042492.3 (MANE Select); coding-DNA position 2444, G replaced by C.
Protein change: p.Arg815Thr; replaces arginine 815 with threonine.
Molecular consequence: missense variant.
Genome position (GRCh38, 1-based): chr17:31,229,059, G>C. VCF-style: chr17-31229059-G-C. GRCh37 (hg19) VCF-style: chr17-29556077-G-C.
Other names: c.2444G>C, p.Arg815Thr (NM_000267.4); short protein forms R815T.
Identifiers: ClinVar variation 3237680 (VCV003237680.1), dbSNP rs1597715123.